The following is an entry in ClinVar:

NM_014516.4(CNOT3):c.1032dup (p.Ala345fs)

Gene: CNOT3 (CCR4-NOT transcription complex subunit 3; plus strand). Cytogenetic location: 19q13.42.
Variant type: Duplication.
Coding change: c.1032dup on transcript NM_014516.4 (MANE Select); coding-DNA position 1032, one base duplicated (C; older notation c.1032dupC).
Protein change: p.Ala345fs; shifts the reading frame from alanine 345.
Molecular consequence: frameshift variant.
Genome position (GRCh38, 1-based): chr19:54,148,285, C duplicated; the last of 4 consecutive C bases (chr19:54,148,282-54,148,285); duplicating any one gives the same sequence. VCF-style (leftmost placement, unchanged base first): chr19-54148281-T-TC. GRCh37 (hg19) VCF-style: chr19-54652016-T-TC.
Other names: short protein forms A345fs.
Identifiers: ClinVar variation 985856 (VCV000985856.5), dbSNP rs2074797352, ClinGen allele CA1139666582.
Genomic context (GRCh38, chr19:54,148,281, plus strand): 5'-ACCCCTCCGGCCCCCCGCCTGCTGCCTCTGCCTTGAGCACCACTCCTGGCAACAATGGGG[T>TC]CCCCGCCCCCGCAGCACCCCCAAGTGCCCTGGGCCCCAAGGCCAGTCCAGCTCCCAGCCA-3'

ClinVar aggregate classification (germline): Pathogenic (1 of 4 stars; one submission).

Conditions:
Inborn genetic diseases. Identifiers: MedGen C0950123, MeSH D030342.

Submission:

Ambry Genetics
Classification: Pathogenic for Inborn genetic diseases. Last evaluated: 2020-01-21. Review status: criteria provided, single submitter. Criteria: Ambry Variant Classification Scheme 2023. Collection method: clinical testing. Allele origin: germline.
Comment: The alteration results in premature protein truncation:_x000D_ _x000D_ The c.1032dupC (p.A345Rfs*52) alteration, located in exon 11 (coding exon 10) of the CNOT3 gene, consists of a duplication of C at position 1032, causing a translational frameshift with a predicted alternate stop codon after 52 amino acids. This alteration is expected to result in loss of function by premature protein truncation or nonsense-mediated mRNA decay. The alteration is not observed in population databases: _x000D_ _x000D_ Based on data from the Genome Aggregation Database (gnomAD), the CNOT3 c.1032dupC alteration was not observed, with coverage at this position. Based on the available evidence, this alteration is classified as pathogenic.